The following is an entry in ClinVar:

NM_001085049.3(MRAS):c.271G>A (p.Val91Ile)

Gene: MRAS (muscle RAS oncogene homolog; plus strand). Cytogenetic location: 3q22.3.
Variant type: single nucleotide variant.
Coding change: c.271G>A on transcript NM_001085049.3 (MANE Select); coding-DNA position 271, G replaced by A.
Protein change: p.Val91Ile; replaces valine 91 with isoleucine.
Molecular consequence: missense variant.
Genome position (GRCh38, 1-based): chr3:138,397,401, G>A. VCF-style: chr3-138397401-G-A. GRCh37 (hg19) VCF-style: chr3-138116243-G-A.
Other names: c.271G>A, p.Val91Ile (NM_001252090.2, NM_012219.4); c.43G>A, p.Val15Ile (NM_001252091.1, NM_001252092.2, NM_001252093.2); short protein forms V91I, V15I.
Identifiers: ClinVar variation 1795174 (VCV001795174.8), dbSNP rs2055260842, ClinGen allele CA354672822.
Genomic context (GRCh38, chr3:138,397,401, plus strand): 5'-CAGGAGGAATTCAGCGCCATGCGGGAGCAATACATGCGCACGGGGGATGGCTTCCTCATC[G>A]TCTACTCCGTCACTGACAAGGCCAGCTTTGAGCACGTGGACCGCTTCCACCAGCTTATCC-3'
Protein context (NP_001078518.1, residues 81-101): YMRTGDGFLI[Val91Ile]YSVTDKASFE

ClinVar aggregate classification (germline): Uncertain significance. Review status: criteria provided, multiple submitters, no conflicts (2 of 4 stars). 3 submissions from 3 submitters: Uncertain significance (3). Last evaluated 2024-06-13.

Conditions:
Inborn genetic diseases. Identifiers: MedGen C0950123, MeSH D030342.

Allele frequency attached by ClinVar (database versions not stated): gnomAD 0.00001; TOPMed 0.00001.
gnomAD v4.1: 6 of 1,614,002 alleles (0.00037%); highest among the groups gnomAD compares: African/African-American, 0.0013%; no homozygotes.

Submissions (3):

Labcorp Genetics (formerly Invitae), Labcorp
Classification: Uncertain significance. Last evaluated: 2024-06-13. Review status: criteria provided, single submitter. Criteria: Invitae Variant Classification Sherloc (09022015). Collection method: clinical testing. Allele origin: germline.
Comment: This sequence change replaces valine, which is neutral and non-polar, with isoleucine, which is neutral and non-polar, at codon 91 of the MRAS protein (p.Val91Ile). This variant is not present in population databases (gnomAD no frequency). This variant has not been reported in the literature in individuals affected with MRAS-related conditions. ClinVar contains an entry for this variant (Variation ID: 1795174). An algorithm developed to predict the effect of missense changes on protein structure and function (PolyPhen-2) suggests that this variant is likely to be disruptive. In summary, the available evidence is currently insufficient to determine the role of this variant in disease. Therefore, it has been classified as a Variant of Uncertain Significance.

Women's Health and Genetics/Laboratory Corporation of America, LabCorp
Classification: Uncertain significance. Last evaluated: 2022-12-12. Review status: criteria provided, single submitter. Criteria: LabCorp Variant Classification Summary - May 2015. Collection method: clinical testing. Allele origin: germline.
Comment: Variant summary: MRAS c.271G>A (p.Val91Ile) results in a conservative amino acid change located in the Small GTP-binding protein domain (IPR005225) of the encoded protein sequence. Four of five in-silico tools predict a damaging effect of the variant on protein function. The variant was absent in 251354 control chromosomes (gnomAD). The available data on variant occurrences in the general population are insufficient to allow any conclusion about variant significance. To our knowledge, no occurrence of c.271G>A in individuals affected with Noonan Syndrome and no experimental evidence demonstrating its impact on protein function have been reported. One clinical diagnostic laboratory has submitted clinical-significance assessments for this variant to ClinVar after 2014 and classified the variant as uncertain significance. Based on the evidence outlined above, the variant was classified as uncertain significance.

Ambry Genetics
Classification: Uncertain significance for Inborn genetic diseases. Last evaluated: 2022-06-22. Review status: criteria provided, single submitter. Criteria: Ambry Variant Classification Scheme 2023. Collection method: clinical testing. Allele origin: germline.
Comment: The p.V91I variant (also known as c.271G>A), located in coding exon 2 of the MRAS gene, results from a G to A substitution at nucleotide position 271. The valine at codon 91 is replaced by isoleucine, an amino acid with highly similar properties. This amino acid position is conserved. In addition, this alteration is predicted to be deleterious by in silico analysis. Since supporting evidence is limited at this time, the clinical significance of this alteration remains unclear.